The following is an entry in ClinVar:

NM_144988.4(ALG14):c.311G>A (p.Arg104Gln)

Gene: ALG14 (ALG14 UDP-N-acetylglucosaminyltransferase subunit; minus strand). Cytogenetic location: 1p21.3.
Variant type: single nucleotide variant.
Coding change: c.311G>A on transcript NM_144988.4 (MANE Select); coding-DNA position 311, G replaced by A.
Protein change: p.Arg104Gln; replaces arginine 104 with glutamine.
Molecular consequence: missense variant. On other transcripts: synonymous variant (1), non-coding transcript variant (1).
Genome position (GRCh38, 1-based): chr1:95,027,238, C>T on the plus strand (G>A on the coding strand, the complement: ALG14 is on the minus strand). VCF-style: chr1-95027238-C-T. GRCh37 (hg19) VCF-style: chr1-95492794-C-T.
Other names: c.348G>A, p.Pro116= (NM_001305242.2); c.311G>A (NM_144988.3); short protein forms R104Q.
Identifiers: ClinVar variation 657720 (VCV000657720.11), dbSNP rs201781289, ClinGen allele CA961816.

ClinVar aggregate classification (germline): Uncertain significance. Review status: criteria provided, multiple submitters, no conflicts (2 of 4 stars). 2 submissions from 2 submitters: Uncertain significance (2). Last evaluated 2025-05-29.

Conditions:
Inborn genetic diseases. Identifiers: MedGen C0950123, MeSH D030342.
Congenital myasthenic syndrome 15. Also called: Myasthenic syndrome, congenital, 15, without tubular aggregates. Identifiers: Orphanet 353327, Orphanet 590, MedGen C4015596, MONDO:0014542, OMIM 616227.

Allele frequency attached by ClinVar (database versions not stated): 1000 Genomes Project 0.00020; gnomAD exomes 0.00004 and 0.00003; ESP Exome Variant Server 0.00008; TOPMed 0.00002; 1000 Genomes Project 30x 0.00016; ExAC 0.00004; gnomAD 0.00003.
gnomAD v4.1: 55 of 1,614,040 alleles (0.0034%); highest among the groups gnomAD compares: East Asian, 0.076%; no homozygotes.

Submissions (2):

Ambry Genetics
Classification: Uncertain significance for Inborn genetic diseases. Last evaluated: 2025-05-29. Review status: criteria provided, single submitter. Criteria: Ambry Variant Classification Scheme 2023. Collection method: clinical testing. Allele origin: germline.

Labcorp Genetics (formerly Invitae), Labcorp
Classification: Uncertain significance for Congenital myasthenic syndrome 15. Last evaluated: 2023-04-24. Review status: criteria provided, single submitter. Criteria: Invitae Variant Classification Sherloc (09022015). Collection method: clinical testing. Allele origin: germline.
Comment: In summary, the available evidence is currently insufficient to determine the role of this variant in disease. Therefore, it has been classified as a Variant of Uncertain Significance. Algorithms developed to predict the effect of missense changes on protein structure and function output the following: SIFT: "Not Available"; PolyPhen-2: "Benign"; Align-GVGD: "Not Available". The glutamine amino acid residue is found in multiple mammalian species, which suggests that this missense change does not adversely affect protein function. ClinVar contains an entry for this variant (Variation ID: 657720). This variant has not been reported in the literature in individuals affected with ALG14-related conditions. This variant is present in population databases (rs201781289, gnomAD 0.03%). This sequence change replaces arginine, which is basic and polar, with glutamine, which is neutral and polar, at codon 104 of the ALG14 protein (p.Arg104Gln).